The following is an entry in ClinVar:

NM_003705.5(SLC25A12):c.416A>G (p.His139Arg)

Gene: SLC25A12 (solute carrier family 25 member 12; minus strand). Cytogenetic location: 2q31.1.
Variant type: single nucleotide variant.
Coding change: c.416A>G on transcript NM_003705.5 (MANE Select); coding-DNA position 416, A replaced by G.
Protein change: p.His139Arg; replaces histidine 139 with arginine.
Molecular consequence: missense variant. On other transcripts: non-coding transcript variant (1).
Genome position (GRCh38, 1-based): chr2:171,844,418, T>C on the plus strand (A>G on the coding strand, the complement: SLC25A12 is on the minus strand). VCF-style: chr2-171844418-T-C. GRCh37 (hg19) VCF-style: chr2-172700928-T-C.
Other names: short protein forms H139R.
Identifiers: ClinVar variation 2192698 (VCV002192698.4), dbSNP rs746606061, ClinGen allele CA1966397.
Genomic context (GRCh38, chr2:171,844,418, plus strand): 5'-ACTAAGCTCACCTGGAGAAACTGCGTGAATTCTGTGTAGTTAAGATGCTTCTTCCGGTTA[T>C]GCCCAAAATGCAGTCGGATAAATTCACAATCCCAGTTAAAAGGGATATGATGATGAATAA-3'
Protein context (NP_003696.2, residues 129-149): DCEFIRLHFG[His139Arg]NRKKHLNYTE

ClinVar aggregate classification (germline): Uncertain significance (1 of 4 stars; one submission).

Allele frequency attached by ClinVar (database versions not stated): gnomAD exomes below 0.00001; TOPMed below 0.00001; ExAC 0.00001.
gnomAD v4.1: 6 of 1,614,070 alleles (0.00037%); highest among the groups gnomAD compares: Non-Finnish European, 0.00042%; no homozygotes.

Submission:

Labcorp Genetics (formerly Invitae), Labcorp
Classification: Uncertain significance. Last evaluated: 2024-06-05. Review status: criteria provided, single submitter. Criteria: Invitae Variant Classification Sherloc (09022015). Collection method: clinical testing. Allele origin: germline.
Comment: This sequence change replaces histidine, which is basic and polar, with arginine, which is basic and polar, at codon 139 of the SLC25A12 protein (p.His139Arg). This variant is present in population databases (rs746606061, gnomAD 0.0009%). This variant has not been reported in the literature in individuals affected with SLC25A12-related conditions. ClinVar contains an entry for this variant (Variation ID: 2192698). Advanced modeling of protein sequence and biophysical properties (such as structural, functional, and spatial information, amino acid conservation, physicochemical variation, residue mobility, and thermodynamic stability) performed at Invitae indicates that this missense variant is not expected to disrupt SLC25A12 protein function with a negative predictive value of 80%. In summary, the available evidence is currently insufficient to determine the role of this variant in disease. Therefore, it has been classified as a Variant of Uncertain Significance.